The following is an entry in ClinVar:

ClinVar aggregate classification (germline): Uncertain significance (1 of 4 stars; one submission).

Conditions:
Aortic aneurysm, familial thoracic 6 (AAT6). Also called: FAMILIAL THORACIC AORTIC ANEURYSM WITH LIVEDO RETICULARIS AND IRIS FLOCCULI. Identifiers: MedGen C2673186, MONDO:0012730, OMIM 611788.

Submission:

Labcorp Genetics (formerly Invitae), Labcorp
Classification: Uncertain significance for Aortic aneurysm, familial thoracic 6. Last evaluated: 2023-06-17. Review status: criteria provided, single submitter. Criteria: Invitae Variant Classification Sherloc (09022015). Collection method: clinical testing. Allele origin: germline.
Comment: In summary, the available evidence is currently insufficient to determine the role of this variant in disease. Therefore, it has been classified as a Variant of Uncertain Significance. This variant disrupts the p.Val161Ala amino acid residue in ACTA2. Other variant(s) that disrupt this residue have been determined to be pathogenic (PMID: 22001912; Invitae). This suggests that this residue is clinically significant, and that variants that disrupt this residue are likely to be disease-causing. Advanced modeling of protein sequence and biophysical properties (such as structural, functional, and spatial information, amino acid conservation, physicochemical variation, residue mobility, and thermodynamic stability) performed at Invitae indicates that this missense variant is not expected to disrupt ACTA2 protein function. This variant has not been reported in the literature in individuals affected with ACTA2-related conditions. This variant is not present in population databases (gnomAD no frequency). This sequence change replaces valine, which is neutral and non-polar, with isoleucine, which is neutral and non-polar, at codon 161 of the ACTA2 protein (p.Val161Ile).

Literature cited by the submitters: PubMed 22001912.

NM_001613.4(ACTA2):c.481G>A (p.Val161Ile)

Gene: ACTA2 (actin alpha 2, smooth muscle; minus strand). Cytogenetic location: 10q23.31.
Variant type: single nucleotide variant.
Coding change: c.481G>A on transcript NM_001613.4 (MANE Select); coding-DNA position 481, G replaced by A.
Protein change: p.Val161Ile; replaces valine 161 with isoleucine.
Molecular consequence: missense variant.
Genome position (GRCh38, 1-based): chr10:88,941,364, C>T on the plus strand (G>A on the coding strand, the complement: ACTA2 is on the minus strand). VCF-style: chr10-88941364-C-T. GRCh37 (hg19) VCF-style: chr10-90701121-C-T.
Other names: c.481G>A, p.Val161Ile (NM_001141945.3, NM_001320855.2, NM_001406462.1 and 3 more transcripts); c.370G>A, p.Val124Ile (NM_001406466.1); c.352G>A, p.Val118Ile (NM_001406467.1, NM_001406468.1, NM_001406469.1); short protein forms V118I, V161I, V124I.
Identifiers: ClinVar variation 2880030 (VCV002880030.3), dbSNP rs2494538742, ClinGen allele CA377512332.